The following is an entry in ClinVar:

NM_001272071.2(AP1S2):c.4C>T (p.Gln2Ter)

Gene: AP1S2 (adaptor related protein complex 1 subunit sigma 2; minus strand). Cytogenetic location: Xp22.2.
Variant type: single nucleotide variant.
Coding change: c.4C>T on transcript NM_001272071.2 (MANE Select); coding-DNA position 4, C replaced by T.
Protein change: p.Gln2Ter; replaces glutamine 2 with a stop codon.
Molecular consequence: nonsense. On other transcripts: non-coding transcript variant (2).
Genome position (GRCh38, 1-based): chrX:15,852,521, G>A on the plus strand (C>T on the coding strand, the complement: AP1S2 is on the minus strand). VCF-style: chrX-15852521-G-A. GRCh37 (hg19) VCF-style: chrX-15870644-G-A.
Other names: c.4C>T, p.Gln2Ter (NM_001368994.1, NM_001369007.1, NM_001369008.1 and 3 more transcripts); short protein forms Q2*.
Identifiers: ClinVar variation 4075752 (VCV004075752.1).

ClinVar aggregate classification (germline): Likely pathogenic (0 of 4 stars; one submission).

Conditions:
X-linked syndromic intellectual disability. Also called: Intellectual developmental disorder, X-linked syndromic; X-linked mental retardation, syndromic. Identifiers: MedGen CN228426, MONDO:0020119.

Submission:

Department of Reproductive Genetics, International Peace Maternity and Child Health Hospital, Shanghai Jiao Tong University School of Medicine
Classification: Likely pathogenic for X-linked syndromic intellectual disability. Last evaluated: 2025-05-01. Review status: no assertion criteria provided. Collection method: clinical testing. Allele origin: inherited. Affected: yes.
Comment: Loss of function (LoF) is a well-established mechanism of pathogenicity for the ASP1A2 gene. The variant in case a nonsense variant. Furthermore, this variant was absent from population databases, including gnomAD.